The following is an entry in ClinVar:

NM_001267550.2(TTN):c.50480G>A (p.Arg16827Gln)

Genes: TTN (titin; minus strand), TTN-AS1 (TTN antisense RNA 1; plus strand). Cytogenetic location: 2q31.2.
Variant type: single nucleotide variant.
Coding change: c.50480G>A on transcript NM_001267550.2 (MANE Select); coding-DNA position 50480, G replaced by A.
Protein change: p.Arg16827Gln; replaces arginine 16827 with glutamine.
Molecular consequence: missense variant.
Genome position (GRCh38, 1-based): chr2:178,611,829, C>T on the plus strand (G>A on the coding strand, the complement: TTN is on the minus strand). VCF-style: chr2-178611829-C-T. GRCh37 (hg19) VCF-style: chr2-179476556-C-T.
Other names: c.23285G>A, p.Arg7762Gln (NM_003319.4); c.23660G>A, p.Arg7887Gln (NM_133432.3); c.23861G>A, p.Arg7954Gln (NM_133437.4); c.45557G>A, p.Arg15186Gln (NM_001256850.1); c.42776G>A, p.Arg14259Gln (NM_133378.4); short protein forms R14259Q, R16827Q, R15186Q, R7762Q, R7887Q, R7954Q.
Identifiers: ClinVar variation 166007 (VCV000166007.14), dbSNP rs138896856, ClinGen allele CA178820.

ClinVar aggregate classification (germline): Conflicting classifications of pathogenicity. Review status: criteria provided, conflicting classifications (1 of 4 stars). 11 submissions from 7 submitters: Uncertain significance (7); Benign (2); Likely benign (2). Last evaluated 2026-06-05.

Conditions:
TTN-related disorder. Also called: TTN-related condition; TTN-related disease; TTN-related disorders.
Dilated cardiomyopathy 1G (CMD1G). Identifiers: Orphanet 154, MedGen C1858763, MONDO:0011400, OMIM 604145.
Autosomal recessive limb-girdle muscular dystrophy type 2J (LGMDR10). Also called: Limb-girdle muscular dystrophy, type 2J; MUSCULAR DYSTROPHY, LIMB-GIRDLE, AUTOSOMAL RECESSIVE 10. Identifiers: Orphanet 140922, MedGen C1837342, MONDO:0012127, OMIM 608807.
Early-onset myopathy with fatal cardiomyopathy (CMYO5). Also called: Salih Myopathy; CONGENITAL MYOPATHY 5 WITH CARDIOMYOPATHY. Identifiers: Orphanet 289377, MedGen C2673677, MONDO:0012714, OMIM 611705. Disease mechanism: loss of function.
Myopathy, myofibrillar, 9, with early respiratory failure (MFM9). Also called: Hereditary myopathy with early respiratory failure; MYOPATHY, PROXIMAL, WITH EARLY RESPIRATORY MUSCLE INVOLVEMENT; Myopathy, distal, with early respiratory failure, autosomal dominant; EDSTROM MYOPATHY. Identifiers: Orphanet 178464, Orphanet 34521, MedGen C1863599, MONDO:0011362, OMIM 603689.
Tibial muscular dystrophy (TMD). Also called: UDD MYOPATHY; Tibial muscular dystrophy, tardive; Udd Distal Myopathy – Tibial Muscular Dystrophy. Identifiers: Orphanet 609, MedGen C1838244, MONDO:0010870, OMIM 600334.

Allele frequency attached by ClinVar (database versions not stated): gnomAD 0.00009 and 0.00015; gnomAD exomes 0.00010 and 0.00017; TOPMed 0.00015; ExAC 0.00018; 1000 Genomes Project 0.00020; 1000 Genomes Project 30x 0.00062.
gnomAD v4.1: 173 of 1,612,954 alleles (0.011%); highest among the groups gnomAD compares: South Asian, 0.046%; no homozygotes.

Submissions (11):

PreventionGenetics, part of Exact Sciences
Classification: Uncertain significance for TTN-related condition. Last evaluated: 2026-06-05. Review status: criteria provided, single submitter. Criteria: ACMG Guidelines, 2015. Collection method: clinical testing. Allele origin: germline.
Comment: The TTN c.50480G>A variant is predicted to result in the amino acid substitution p.Arg16827Gln. To our knowledge, this variant has not been reported in the literature. This variant is reported in 0.041% of alleles in individuals of African descent in gnomAD. At this time, the clinical significance of this variant is uncertain due to the absence of conclusive functional and genetic evidence.

Revvity Omics, Revvity
Classification: Uncertain significance. Last evaluated: 2024-10-22. Review status: criteria provided, single submitter. Criteria: ACMG Guidelines, 2015. Collection method: clinical testing. Allele origin: germline.

Blueprint Genetics
Classification: Likely benign. Last evaluated: 2024-07-10. Review status: criteria provided, single submitter. Criteria: ACMG Guidelines, 2015. Collection method: clinical testing. Allele origin: germline.

GeneDx
Classification: Likely benign. Last evaluated: 2018-03-22. Review status: criteria provided, single submitter. Criteria: GeneDx Variant Classification (06012015). Collection method: clinical testing. Allele origin: germline. Affected: yes.
Comment: This variant is considered likely benign or benign based on one or more of the following criteria: it is a conservative change, it occurs at a poorly conserved position in the protein, it is predicted to be benign by multiple in silico algorithms, and/or has population frequency not consistent with disease.

Illumina Laboratory Services, Illumina
Classification: Benign for Myopathy, myofibrillar, 9, with early respiratory failure. Last evaluated: 2017-10-30. Review status: criteria provided, single submitter. Criteria: ICSL Variant Classification Criteria 13 December 2019. Collection method: clinical testing. Allele origin: germline.
Comment: This variant was observed as part of a predisposition screen in an ostensibly healthy population. A literature search was performed for the gene, cDNA change, and amino acid change (where applicable). No publications were found based on this search. Allele frequency data from public databases was too high to be consistent with this variant causing disease. Therefore, this variant is classified as benign.

Illumina Laboratory Services, Illumina
Classification: Benign for Tibial muscular dystrophy. Last evaluated: 2017-10-30. Review status: criteria provided, single submitter. Criteria: ICSL Variant Classification Criteria 13 December 2019. Collection method: clinical testing. Allele origin: germline.
Comment: the same text as in the submission from Illumina Laboratory Services, Illumina above.

Labcorp Genetics (formerly Invitae), Labcorp
Classification: Uncertain significance for Dilated cardiomyopathy 1G; Autosomal recessive limb-girdle muscular dystrophy type 2J. Last evaluated: 2017-08-02. Review status: criteria provided, single submitter. Criteria: Invitae Variant Classification Sherloc (09022015). Collection method: clinical testing. Allele origin: germline.

Illumina Laboratory Services, Illumina
Classification: Uncertain significance for Autosomal recessive limb-girdle muscular dystrophy type 2J. Last evaluated: 2017-04-27. Review status: criteria provided, single submitter. Criteria: ICSL Variant Classification Criteria 13 December 2019. Collection method: clinical testing. Allele origin: germline.

Illumina Laboratory Services, Illumina
Classification: Uncertain significance for Early-onset myopathy with fatal cardiomyopathy. Last evaluated: 2017-04-27. Review status: criteria provided, single submitter. Criteria: ICSL Variant Classification Criteria 13 December 2019. Collection method: clinical testing. Allele origin: germline.

Illumina Laboratory Services, Illumina
Classification: Uncertain significance for Dilated cardiomyopathy 1G. Last evaluated: 2017-04-27. Review status: criteria provided, single submitter. Criteria: ICSL Variant Classification Criteria 13 December 2019. Collection method: clinical testing. Allele origin: germline.

Laboratory for Molecular Medicine, Mass General Brigham Personalized Medicine
Classification: Uncertain significance. Last evaluated: 2014-08-27. Review status: criteria provided, single submitter. Criteria: LMM Criteria. Collection method: clinical testing. Allele origin: germline. Observed: 1 variant allele.
Comment: The Arg14259Gln variant in TTN has not been previously reported in individuals w ith cardiomyopathy, but has been identified in 2/490 African chromosomes by the 1000 Genomes Project (dbSNP rs138896856). Computational prediction tools and con servation analysis do not provide strong support for or against an impact to the protein. In summary, the clinical significance of the Arg14259Gln variant is un certain.